The following is an entry in ClinVar:

NM_001114753.3(ENG):c.767C>A (p.Pro256His)

Gene: ENG (endoglin; minus strand). Cytogenetic location: 9q34.11.
Variant type: single nucleotide variant.
Coding change: c.767C>A on transcript NM_001114753.3 (MANE Select); coding-DNA position 767, C replaced by A.
Protein change: p.Pro256His; replaces proline 256 with histidine.
Molecular consequence: missense variant.
Genome position (GRCh38, 1-based): chr9:127,825,280, G>T on the plus strand (C>A on the coding strand, the complement: ENG is on the minus strand). VCF-style: chr9-127825280-G-T. GRCh37 (hg19) VCF-style: chr9-130587559-G-T.
Other names: c.767C>A, p.Pro256His (NM_001406715.1, NM_000118.4); c.221C>A, p.Pro74His (NM_001278138.2); short protein forms P256H, P74H.
Identifiers: ClinVar variation 5036003 (VCV005036003.1).

ClinVar aggregate classification (germline): Uncertain significance (1 of 4 stars; one submission).

Conditions:
Cardiovascular phenotype. Identifiers: MedGen CN230736.

gnomAD v4.1: 2 of 1,612,146 alleles (0.00012%); highest among the groups gnomAD compares: Non-Finnish European, 0.00017%; no homozygotes.

Submission:

Ambry Genetics
Classification: Uncertain significance for Cardiovascular phenotype. Last evaluated: 2026-09-11. Review status: criteria provided, single submitter. Criteria: Ambry Variant Classification Scheme 2023. Collection method: clinical testing. Allele origin: germline.
Comment: The p.P256H variant (also known as c.767C>A), located in coding exon 6 of the ENG gene, results from a C to A substitution at nucleotide position 767. The proline at codon 256 is replaced by histidine, an amino acid with similar properties. This amino acid position is conserved. In addition, this alteration is predicted to be tolerated by in silico analysis. Based on the available evidence, the clinical significance of this variant remains unclear.